The following is an entry in ClinVar:

ClinVar aggregate classification (germline): Uncertain significance. Review status: criteria provided, multiple submitters, no conflicts (2 of 4 stars). 2 submissions from 2 submitters: Uncertain significance (2). Last evaluated 2025-07-16.

Submissions (2):

Women's Health and Genetics/Laboratory Corporation of America, LabCorp
Classification: Uncertain significance. Last evaluated: 2025-07-16. Review status: criteria provided, single submitter. Criteria: LabCorp Variant Classification Summary - May 2015. Collection method: clinical testing. Allele origin: germline.
Comment: Variant summary: MYO3A c.1565G>C (p.Gly522Ala) results in a non-conservative amino acid change in the encoded protein sequence. Algorithms developed to predict the effect of missense changes on protein structure and function all suggest that this variant is likely to be disruptive. Several computational tools predict a significant impact on normal splicing: Two predict the variant creates a cryptic 3' acceptor site. However, these predictions have yet to be confirmed by functional studies. The variant was absent in 248194 control chromosomes. The available data on variant occurrences in the general population are insufficient to allow any conclusion about variant significance. To our knowledge, no occurrence of c.1565G>C in individuals affected with Autosomal Recessive Nonsyndromic Hearing Loss 30 and no experimental evidence demonstrating its impact on protein function have been reported. ClinVar contains an entry for this variant (Variation ID: 1965551). Based on the evidence outlined above, the variant was classified as uncertain significance.

Labcorp Genetics (formerly Invitae), Labcorp
Classification: Uncertain significance. Last evaluated: 2022-07-21. Review status: criteria provided, single submitter. Criteria: Invitae Variant Classification Sherloc (09022015). Collection method: clinical testing. Allele origin: germline.
Comment: In summary, the available evidence is currently insufficient to determine the role of this variant in disease. Therefore, it has been classified as a Variant of Uncertain Significance. Algorithms developed to predict the effect of sequence changes on RNA splicing suggest that this variant may create or strengthen a splice site. Algorithms developed to predict the effect of missense changes on protein structure and function (SIFT, PolyPhen-2, Align-GVGD) all suggest that this variant is likely to be disruptive. This variant has not been reported in the literature in individuals affected with MYO3A-related conditions. This variant is not present in population databases (gnomAD no frequency). This sequence change replaces glycine, which is neutral and non-polar, with alanine, which is neutral and non-polar, at codon 522 of the MYO3A protein (p.Gly522Ala).

NM_017433.5(MYO3A):c.1565G>C (p.Gly522Ala)

Gene: MYO3A (myosin IIIA; plus strand). Cytogenetic location: 10p12.1.
Variant type: single nucleotide variant.
Coding change: c.1565G>C on transcript NM_017433.5 (MANE Select); coding-DNA position 1565, G replaced by C.
Protein change: p.Gly522Ala; replaces glycine 522 with alanine.
Molecular consequence: missense variant.
Genome position (GRCh38, 1-based): chr10:26,096,383, G>C. VCF-style: chr10-26096383-G-C. GRCh37 (hg19) VCF-style: chr10-26385312-G-C.
Other names: short protein forms G522A.
Identifiers: ClinVar variation 1965551 (VCV001965551.6), dbSNP rs569894189, ClinGen allele CA376336560.